The following is an entry in ClinVar:

NM_000059.4(BRCA2):c.1092T>C (p.Asp364=)

Gene: BRCA2 (BRCA2 DNA repair associated; plus strand). Cytogenetic location: 13q13.1.
Variant type: single nucleotide variant.
Coding change: c.1092T>C on transcript NM_000059.4 (MANE Select); coding-DNA position 1092, T replaced by C.
Protein change: p.Asp364=; no amino-acid change (aspartic acid 364 retained).
Molecular consequence: synonymous variant.
Genome position (GRCh38, 1-based): chr13:32,332,570, T>C. VCF-style: chr13-32332570-T-C. GRCh37 (hg19) VCF-style: chr13-32906707-T-C.
Identifiers: ClinVar variation 230569 (VCV000230569.17), dbSNP rs876658640, ClinGen allele CA10579480.

ClinVar aggregate classification (germline): Likely benign. Review status: reviewed by expert panel (3 of 4 stars). 4 submissions from 4 submitters: Likely benign (1). 3 of the submissions do not count toward it. Last evaluated 2017-06-29.

Conditions:
Hereditary cancer-predisposing syndrome. Also called: Hereditary Cancer Syndrome; Neoplastic Syndromes, Hereditary; Tumor predisposition; Hereditary neoplastic syndrome. Identifiers: Orphanet 140162, MedGen C0027672, MeSH D009386, MONDO:0015356.
Breast-ovarian cancer, familial, susceptibility to, 2 (BROVCA2). Also called: BRCA2 Hereditary Breast and Ovarian Cancer. Identifiers: Orphanet 145, MedGen C2675520, MONDO:0012933, OMIM 612555. Disease mechanism: loss of function.
Hereditary breast ovarian cancer syndrome. Also called: Hereditary breast and/or ovarian cancer syndrome; BRCA1- and BRCA2-Associated Hereditary Breast and Ovarian Cancer; Hereditary breast and ovarian cancer syndrome (HBOC); Hereditary breast and ovarian cancer; Hereditary breast and ovarian cancer syndrome; Breast and ovarian cancer. Identifiers: Orphanet 145, MedGen C0677776, MeSH D061325, MONDO:0003582. Disease mechanism: loss of function.

Submissions (4):

Evidence-based Network for the Interpretation of Germline Mutant Alleles (ENIGMA)
Classification: Likely benign for Breast-ovarian cancer, familial, susceptibility to, 2. Last evaluated: 2017-06-29. Review status: reviewed by expert panel. Criteria: ENIGMA BRCA1/2 Classification Criteria (2017-06-29). Collection method: curation. Allele origin: germline.
Comment: Synonymous substitution variant, with low bioinformatic likelihood to result in a splicing aberration (Splicing prior probability 0.02).

Color Diagnostics, LLC DBA Color Health
Classification: Likely benign for Hereditary cancer-predisposing syndrome. Last evaluated: 2025-06-17. Review status: criteria provided, single submitter. Criteria: ACMG Guidelines, 2015. Collection method: clinical testing. Allele origin: germline. Not counted in ClinVar's aggregate classification.

Labcorp Genetics (formerly Invitae), Labcorp
Classification: Likely benign for Hereditary breast ovarian cancer syndrome. Last evaluated: 2023-11-16. Review status: criteria provided, single submitter. Criteria: Invitae Variant Classification Sherloc (09022015). Collection method: clinical testing. Allele origin: germline. Not counted in ClinVar's aggregate classification.

Ambry Genetics
Classification: Likely benign for Hereditary cancer-predisposing syndrome. Last evaluated: 2015-02-26. Review status: criteria provided, single submitter. Criteria: Ambry Variant Classification Scheme 2023. Collection method: clinical testing. Allele origin: germline. Not counted in ClinVar's aggregate classification.